The following is an entry in ClinVar:

NM_000271.5(NPC1):c.3740dup (p.Leu1247fs)

Gene: NPC1 (NPC intracellular cholesterol transporter 1; minus strand). Cytogenetic location: 18q11.2.
Variant type: Duplication.
Coding change: c.3740dup on transcript NM_000271.5 (MANE Select); coding-DNA position 3740, one base duplicated (T; older notation c.3740dupT).
Protein change: p.Leu1247fs; shifts the reading frame from leucine 1247.
Molecular consequence: frameshift variant.
Genome position (GRCh38, 1-based): chr18:23,533,369, A duplicated on the plus strand (T on the coding strand, the reverse complement: NPC1 is on the minus strand); the first of 2 consecutive A bases (chr18:23,533,369-23,533,370); duplicating either gives the same sequence. VCF-style (leftmost placement, unchanged base first): chr18-23533368-T-TA. GRCh37 (hg19) VCF-style: chr18-21113332-T-TA.
Other names: short protein forms L1247fs.
Identifiers: ClinVar variation 2025031 (VCV002025031.4), dbSNP rs760004573, ClinGen allele CA8912673.

ClinVar aggregate classification (germline): Pathogenic (1 of 4 stars; one submission).

Conditions:
Niemann-Pick disease, type C1. Also called: NEUROVISCERAL STORAGE DISEASE WITH VERTICAL SUPRANUCLEAR OPHTHALMOPLEGIA; NIEMANN-PICK DISEASE WITH CHOLESTEROL ESTERIFICATION BLOCK; NIEMANN-PICK DISEASE, VARIANT TYPE C1; NIEMANN-PICK DISEASE WITHOUT SPHINGOMYELINASE DEFICIENCY; NIEMANN-PICK DISEASE, CHRONIC NEURONOPATHIC FORM. Identifiers: Orphanet 646, MedGen C3179455, MONDO:0009757, OMIM 257220.

Submission:

Labcorp Genetics (formerly Invitae), Labcorp
Classification: Pathogenic for Niemann-Pick disease, type C1. Last evaluated: 2023-12-01. Review status: criteria provided, single submitter. Criteria: Invitae Variant Classification Sherloc (09022015). Collection method: clinical testing. Allele origin: germline.
Comment: This sequence change creates a premature translational stop signal (p.Leu1247Phefs*11) in the NPC1 gene. While this is not anticipated to result in nonsense mediated decay, it is expected to disrupt the last 32 amino acid(s) of the NPC1 protein. This variant is present in population databases (rs760004573, gnomAD 0.003%). This variant has not been reported in the literature in individuals affected with NPC1-related conditions. ClinVar contains an entry for this variant (Variation ID: 2025031). This variant disrupts a region of the NPC1 protein in which other variant(s) (p.Leu1248Valfs*3) have been determined to be pathogenic (PMID: 10521290, 19744920). This suggests that this is a clinically significant region of the protein, and that variants that disrupt it are likely to be disease-causing. For these reasons, this variant has been classified as Pathogenic.

Literature cited by the submitters: PubMed 10521290; PubMed 19744920.